The following is an entry in ClinVar:

ClinVar aggregate classification (germline): Uncertain significance (1 of 4 stars; one submission).

Conditions:
Inborn genetic diseases. Identifiers: MedGen C0950123, MeSH D030342.

Allele frequency attached by ClinVar (database versions not stated): gnomAD 0.00001; TOPMed 0.00001.
gnomAD v4.1: 12 of 1,613,932 alleles (0.00074%); highest among the groups gnomAD compares: Non-Finnish European, 0.001%; no homozygotes.

Submission:

Ambry Genetics
Classification: Uncertain significance for Inborn genetic diseases. Last evaluated: 2024-10-05. Review status: criteria provided, single submitter. Criteria: Ambry Variant Classification Scheme 2023. Collection method: clinical testing. Allele origin: germline.
Comment: The p.L225V variant (also known as c.673C>G), located in coding exon 8 of the ERCC2 gene, results from a C to G substitution at nucleotide position 673. The leucine at codon 225 is replaced by valine, an amino acid with highly similar properties. This amino acid position is conserved. In addition, the in silico prediction for this alteration is inconclusive. Since supporting evidence is limited at this time, the clinical significance of this alteration remains unclear.

NM_000400.4(ERCC2):c.673C>G (p.Leu225Val)

Gene: ERCC2 (ERCC excision repair 2, TFIIH core complex helicase subunit; minus strand). Cytogenetic location: 19q13.32.
Variant type: single nucleotide variant.
Coding change: c.673C>G on transcript NM_000400.4 (MANE Select); coding-DNA position 673, C replaced by G.
Protein change: p.Leu225Val; replaces leucine 225 with valine.
Molecular consequence: missense variant.
Genome position (GRCh38, 1-based): chr19:45,364,469, G>C on the plus strand (C>G on the coding strand, the complement: ERCC2 is on the minus strand). VCF-style: chr19-45364469-G-C. GRCh37 (hg19) VCF-style: chr19-45867727-G-C.
Other names: c.601C>G, p.Leu201Val (NM_001130867.2); short protein forms L225V, L201V.
Identifiers: ClinVar variation 1755182 (VCV001755182.3), dbSNP rs756802959, ClinGen allele CA406374359.